The following is an entry in ClinVar:

ClinVar aggregate classification (germline): Benign/Likely benign. Review status: criteria provided, multiple submitters, no conflicts (2 of 4 stars). 2 submissions from 2 submitters: Benign (1); Likely benign (1). Last evaluated 2024-10-23.

Conditions:
Birt-Hogg-Dube syndrome. Also called: Birt Hogg Dubé syndrome. Identifiers: Orphanet 122, MedGen C0346010, MONDO:0800444.
Birt-Hogg-Dube syndrome 1 (BHD1). Also called: FIBROFOLLICULOMAS WITH TRICHODISCOMAS AND ACROCHORDONS. Identifiers: Orphanet 122, MedGen CN375946, MONDO:0800445, OMIM 135150.

Submissions (2):

Myriad Genetics, Inc.
Classification: Benign for Birt-Hogg-Dube syndrome 1. Last evaluated: 2024-10-23. Review status: criteria provided, single submitter. Criteria: Myriad Autosomal Dominant, Autosomal Recessive and X-Linked Classification Criteria (2023). Collection method: clinical testing. Allele origin: unknown.
Comment: This variant is considered benign. This variant is a silent/synonymous amino acid change and it is not expected to impact splicing.

Labcorp Genetics (formerly Invitae), Labcorp
Classification: Likely benign for Birt-Hogg-Dube syndrome. Last evaluated: 2024-10-06. Review status: criteria provided, single submitter. Criteria: Invitae Variant Classification Sherloc (09022015). Collection method: clinical testing. Allele origin: germline.

NM_144997.7(FLCN):c.651G>A (p.Gln217=)

Gene: FLCN (folliculin; minus strand). Cytogenetic location: 17p11.2.
Variant type: single nucleotide variant.
Coding change: c.651G>A on transcript NM_144997.7 (MANE Select); coding-DNA position 651, G replaced by A.
Protein change: p.Gln217=; no amino-acid change (glutamine 217 retained).
Molecular consequence: synonymous variant.
Genome position (GRCh38, 1-based): chr17:17,222,629, C>T on the plus strand (G>A on the coding strand, the complement: FLCN is on the minus strand). VCF-style: chr17-17222629-C-T. GRCh37 (hg19) VCF-style: chr17-17125943-C-T.
Other names: c.705G>A, p.Gln235= (NM_001353229.2); c.651G>A, p.Gln217= (NM_001353230.2, NM_001353231.2, NM_144606.7).
Identifiers: ClinVar variation 3697343 (VCV003697343.3).
Genomic context (GRCh38, chr17:17,222,629, plus strand): 5'-GGCGTTGCCGTTCCTCTGGTGTAGGAATGGCGTGAAGGCTGTGTTCATCCTCTGAGCACG[C>T]TGTGGGCATCCAAACTGCTCTGCCTCAAACACCTGAAATGCAAAGGGAAGGGATGGCCTC-3'
Protein context (NP_659434.2, residues 207-227): VFEAEQFGCP[Gln217=]RAQRMNTAFT